The following is an entry in ClinVar:

ClinVar aggregate classification (germline): Uncertain significance (1 of 4 stars; one submission).

Allele frequency attached by ClinVar (database versions not stated): gnomAD exomes 0.00001; TOPMed 0.00002; gnomAD 0.00001.
gnomAD v4.1: 26 of 1,613,672 alleles (0.0016%); highest among the groups gnomAD compares: Middle Eastern, 0.033%; no homozygotes.

Submission:

Labcorp Genetics (formerly Invitae), Labcorp
Classification: Uncertain significance. Last evaluated: 2022-05-27. Review status: criteria provided, single submitter. Criteria: Invitae Variant Classification Sherloc (09022015). Collection method: clinical testing. Allele origin: germline.
Comment: In summary, the available evidence is currently insufficient to determine the role of this variant in disease. Therefore, it has been classified as a Variant of Uncertain Significance. Algorithms developed to predict the effect of missense changes on protein structure and function are either unavailable or do not agree on the potential impact of this missense change (SIFT: "Deleterious"; PolyPhen-2: "Benign"; Align-GVGD: "Class C0"). This variant has not been reported in the literature in individuals affected with PLCE1-related conditions. This variant is present in population databases (rs61749240, gnomAD 0.003%). This sequence change replaces histidine, which is basic and polar, with tyrosine, which is neutral and polar, at codon 255 of the PLCE1 protein (p.His255Tyr).

NM_016341.4(PLCE1):c.763C>T (p.His255Tyr)

Gene: PLCE1 (phospholipase C epsilon 1; plus strand). Cytogenetic location: 10q23.33.
Variant type: single nucleotide variant.
Coding change: c.763C>T on transcript NM_016341.4 (MANE Select); coding-DNA position 763, C replaced by T.
Protein change: p.His255Tyr; replaces histidine 255 with tyrosine.
Molecular consequence: missense variant.
Genome position (GRCh38, 1-based): chr10:94,031,809, C>T. VCF-style: chr10-94031809-C-T. GRCh37 (hg19) VCF-style: chr10-95791566-C-T.
Other names: c.763C>T, p.His255Tyr (NM_001288989.2); short protein forms H255Y.
Identifiers: ClinVar variation 1446261 (VCV001446261.7), dbSNP rs61749240, ClinGen allele CA211589420.
Genomic context (GRCh38, chr10:94,031,809, plus strand): 5'-TGTAAACTGATGGAATTGGCCAAAAATTGTGATAATAAGAATGAGCAGCTGCAGTGTGAT[C>T]ATTGTGACACCTTGAATGATAAATACTTTTGCTTTGAAGGCTCTTGTGAGAAGGTTGACA-3'
Protein context (NP_057425.3, residues 245-265): DNKNEQLQCD[His255Tyr]CDTLNDKYFC